The following is an entry in ClinVar:

NM_024989.4(PGAP1):c.34G>T (p.Ala12Ser)

Gene: PGAP1 (post-GPI attachment to proteins inositol deacylase 1; minus strand). Cytogenetic location: 2q33.1.
Variant type: single nucleotide variant.
Coding change: c.34G>T on transcript NM_024989.4 (MANE Select); coding-DNA position 34, G replaced by T.
Protein change: p.Ala12Ser; replaces alanine 12 with serine.
Molecular consequence: missense variant. On other transcripts: 5 prime UTR variant (2).
Genome position (GRCh38, 1-based): chr2:196,926,583, C>A on the plus strand (G>T on the coding strand, the complement: PGAP1 is on the minus strand). VCF-style: chr2-196926583-C-A. GRCh37 (hg19) VCF-style: chr2-197791307-C-A.
Other names: c.-573G>T (NM_001321099.2); c.-1078G>T (NM_001321100.2); short protein forms A12S.
Identifiers: ClinVar variation 948463 (VCV000948463.10), dbSNP rs1703369332, ClinGen allele CA350182289.

ClinVar aggregate classification (germline): Uncertain significance (1 of 4 stars; one submission).

Conditions:
Intellectual disability, autosomal recessive 42 (NEDDSBA). Also called: GLYCOSYLPHOSPHATIDYLINOSITOL BIOSYNTHESIS DEFECT 9; Neurodevelopmental disorder with dysmorphic features, spasticity, and brain abnormalities. Identifiers: Orphanet 88616, MedGen C4014343, MONDO:0014348, OMIM 615802.

Submission:

Labcorp Genetics (formerly Invitae), Labcorp
Classification: Uncertain significance for Intellectual disability, autosomal recessive 42. Last evaluated: 2022-06-04. Review status: criteria provided, single submitter. Criteria: Invitae Variant Classification Sherloc (09022015). Collection method: clinical testing. Allele origin: germline.
Comment: ClinVar contains an entry for this variant (Variation ID: 948463). This variant has not been reported in the literature in individuals affected with PGAP1-related conditions. This variant is not present in population databases (gnomAD no frequency). This sequence change replaces alanine, which is neutral and non-polar, with serine, which is neutral and polar, at codon 12 of the PGAP1 protein (p.Ala12Ser). Algorithms developed to predict the effect of missense changes on protein structure and function are either unavailable or do not agree on the potential impact of this missense change (SIFT: "Tolerated"; PolyPhen-2: "Possibly Damaging"; Align-GVGD: "Class C0"). In summary, the available evidence is currently insufficient to determine the role of this variant in disease. Therefore, it has been classified as a Variant of Uncertain Significance.